The following is an entry in ClinVar:

ClinVar aggregate classification (germline): Uncertain significance. Review status: criteria provided, multiple submitters, no conflicts (2 of 4 stars). 3 submissions from 3 submitters: Uncertain significance (3). Last evaluated 2025-09-10.

Conditions:
Intellectual developmental disorder with or without epilepsy or cerebellar ataxia. Identifiers: MedGen C4748041, MONDO:0060745, OMIM 618060.
Inborn genetic diseases. Identifiers: MedGen C0950123, MeSH D030342.

gnomAD v4.1: 13 of 1,555,126 alleles (0.00084%); highest among the groups gnomAD compares: Middle Eastern, 0.12%; no homozygotes.

Submissions (3):

Genomic Medicine Center of Excellence, King Faisal Specialist Hospital and Research Centre
Classification: Uncertain significance for Intellectual developmental disorder with or without epilepsy or cerebellar ataxia. Last evaluated: 2025-09-10. Review status: criteria provided, single submitter. Criteria: ACMG Guidelines, 2015. Collection method: clinical testing. Allele origin: germline.

Ambry Genetics
Classification: Uncertain significance for Inborn genetic diseases. Last evaluated: 2025-03-16. Review status: criteria provided, single submitter. Criteria: Ambry Variant Classification Scheme 2023. Collection method: clinical testing. Allele origin: germline.

Women's Health and Genetics/Laboratory Corporation of America, LabCorp
Classification: Uncertain significance. Last evaluated: 2024-12-05. Review status: criteria provided, single submitter. Criteria: LabCorp Variant Classification Summary - May 2015. Collection method: clinical testing. Allele origin: germline.
Comment: Variant summary: RORA c.40G>A (p.Glu14Lys) results in a conservative amino acid change in the encoded protein sequence. Five of five in-silico tools predict a benign effect of the variant on protein function. The variant allele was found at a frequency of 6.3e-06 in 158710 control chromosomes. The available data on variant occurrences in the general population are insufficient to allow any conclusion about variant significance. To our knowledge, no occurrence of c.40G>A in individuals affected with Intellectual Developmental Disorder With Or Without Epilepsy Or Cerebellar Ataxia and no experimental evidence demonstrating its impact on protein function have been reported. No submitters have cited clinical-significance assessments for this variant to ClinVar. Based on the evidence outlined above, the variant was classified as uncertain significance.

NM_134261.3(RORA):c.40G>A (p.Glu14Lys)

Gene: RORA (RAR related orphan receptor A; minus strand). Cytogenetic location: 15q22.2.
Variant type: single nucleotide variant.
Coding change: c.40G>A on transcript NM_134261.3 (MANE Select); coding-DNA position 40, G replaced by A.
Protein change: p.Glu14Lys; replaces glutamic acid 14 with lysine.
Molecular consequence: missense variant.
Genome position (GRCh38, 1-based): chr15:61,229,179, C>T on the plus strand (G>A on the coding strand, the complement: RORA is on the minus strand). VCF-style: chr15-61229179-C-T. GRCh37 (hg19) VCF-style: chr15-61521378-C-T.
Other names: c.40G>A (NM_134261.2); short protein forms E14K.
Identifiers: ClinVar variation 3768232 (VCV003768232.3).